The following is an entry in ClinVar:

ClinVar aggregate classification (germline): Pathogenic (1 of 4 stars; one submission).

Conditions:
Alstrom syndrome (ALMS). Identifiers: Orphanet 64, MedGen C0268425, MONDO:0008763, OMIM 203800.

Submission:

Labcorp Genetics (formerly Invitae), Labcorp
Classification: Pathogenic for Alstrom syndrome. Last evaluated: 2023-07-12. Review status: criteria provided, single submitter. Criteria: Invitae Variant Classification Sherloc (09022015). Collection method: clinical testing. Allele origin: germline.
Comment: This sequence change creates a premature translational stop signal (p.Lys4132*) in the ALMS1 gene. It is expected to result in an absent or disrupted protein product. Loss-of-function variants in ALMS1 are known to be pathogenic (PMID: 17594715). This variant is not present in population databases (gnomAD no frequency). This variant has not been reported in the literature in individuals affected with ALMS1-related conditions. For these reasons, this variant has been classified as Pathogenic.

Literature cited by the submitters: PubMed 17594715.

NM_001378454.1(ALMS1):c.12391A>T (p.Lys4131Ter)

Gene: ALMS1 (ALMS1 centrosome and basal body associated protein; plus strand). Cytogenetic location: 2p13.1.
Variant type: single nucleotide variant.
Coding change: c.12391A>T on transcript NM_001378454.1 (MANE Select); coding-DNA position 12391, A replaced by T.
Protein change: p.Lys4131Ter; replaces lysine 4131 with a stop codon.
Molecular consequence: nonsense.
Genome position (GRCh38, 1-based): chr2:73,608,503, A>T. VCF-style: chr2-73608503-A-T. GRCh37 (hg19) VCF-style: chr2-73835630-A-T.
Other names: c.12394A>T, p.Lys4132Ter (NM_015120.4); short protein forms K4132*, K4131*.
Identifiers: ClinVar variation 2742796 (VCV002742796.3), dbSNP rs2466540816, ClinGen allele CA347274691.
Genomic context (GRCh38, chr2:73,608,503, plus strand): 5'-ATTTCTGTCCTTTCACTGGTGCCATTTCTAAGGATTTATGAGCAGCTTCCAGAAGTACAG[A>T]AAAAGAGAGAAGAAGAGAAGAGAAAATCAGAATATAAGTCATACCGGCTGCGAGCCCAGC-3'